The following is an entry in ClinVar:

ClinVar aggregate classification (germline): Uncertain significance. Review status: criteria provided, multiple submitters, no conflicts (2 of 4 stars). 2 submissions from 2 submitters: Uncertain significance (2). Last evaluated 2020-10-22.

Submissions (2):

GeneDx
Classification: Uncertain significance. Last evaluated: 2020-10-22. Review status: criteria provided, single submitter. Criteria: GeneDx Variant Classification Process June 2021. Collection method: clinical testing. Allele origin: germline. Affected: yes.
Comment: Not observed in large population cohorts (Lek et al., 2016); In silico analysis, which includes protein predictors and evolutionary conservation, supports a deleterious effect; Has not been previously published as pathogenic or benign to our knowledge

Blueprint Genetics
Classification: Uncertain significance. Last evaluated: 2018-07-30. Review status: criteria provided, single submitter. Criteria: ACMG Guidelines, 2015. Collection method: clinical testing. Allele origin: germline.

NM_004463.3(FGD1):c.2734T>C (p.Trp912Arg)

Genes: FGD1 (FYVE, RhoGEF and PH domain containing 1; minus strand), TSR2 (TSR2 ribosome maturation factor; plus strand). Cytogenetic location: Xp11.22.
Variant type: single nucleotide variant.
Coding change: c.2734T>C on transcript NM_004463.3 (MANE Select); coding-DNA position 2734, T replaced by C.
Protein change: p.Trp912Arg; replaces tryptophan 912 with arginine.
Molecular consequence: missense variant. On other transcripts: 3 prime UTR variant (5).
Genome position (GRCh38, 1-based): chrX:54,446,261, A>G on the plus strand (T>C on the coding strand, the complement: FGD1 is on the minus strand). VCF-style: chrX-54446261-A-G. GRCh37 (hg19) VCF-style: chrX-54472694-A-G.
Other names: c.*1711A>G (NM_001346789.2, NM_001346790.2, NM_001346791.2 and 2 more transcripts); short protein forms W912R.
Identifiers: ClinVar variation 1189714 (VCV001189714.3), dbSNP rs2147419305, ClinGen allele CA413357997.